The following is an entry in ClinVar:

NM_000059.4(BRCA2):c.9357_9360del (p.Ile3120fs)

Gene: BRCA2 (BRCA2 DNA repair associated; plus strand). Cytogenetic location: 13q13.1.
Variant type: Deletion.
Coding change: c.9357_9360del on transcript NM_000059.4 (MANE Select); coding-DNA positions 9357 to 9360, 4 bases deleted (AATT; older notation c.9357_9360delAATT).
Protein change: p.Ile3120fs; shifts the reading frame from isoleucine 3120.
Molecular consequence: frameshift variant.
Genome position (GRCh38, 1-based): chr13:32,394,789-32,394,792, AATT deleted; deleting any 4 consecutive bases within chr13:32,394,787-32,394,792 gives the same sequence; the c. name uses the placement nearest the transcript's 3' end. VCF-style (leftmost placement, unchanged base first): chr13-32394786-GTTAA-G. GRCh37 (hg19) VCF-style: chr13-32968923-GTTAA-G.
Other names: 9585del4; p.Ile3120Leufs*42; c.9357_9360delAATT (NM_000059.3).
Identifiers: ClinVar variation 267157 (VCV000267157.21), dbSNP rs886040836, ClinGen allele CA10589563.
Genomic context (GRCh38, chr13:32,394,786, plus strand): 5'-CAATTTACTGGCAATAAAGTTTTGGATAGACCTTAATGAGGACATTATTAAGCCTCATAT[GTTAA>G]TTGCTGCAAGCAACCTCCAGTGGCGACCAGAATCCAAATCAGGCCTTCTTACTTTATTTG-3'

ClinVar aggregate classification (germline): Pathogenic. Review status: reviewed by expert panel (3 of 4 stars). 7 submissions from 7 submitters: Pathogenic (1). 6 of the submissions do not count toward it. Last evaluated 2016-10-18.

Conditions:
BRCA2-related cancer predisposition. Identifiers: MedGen CN377758, MONDO:0700269.
Breast-ovarian cancer, familial, susceptibility to, 2 (BROVCA2). Also called: BRCA2 Hereditary Breast and Ovarian Cancer. Identifiers: Orphanet 145, MedGen C2675520, MONDO:0012933, OMIM 612555. Disease mechanism: loss of function.
Hereditary cancer-predisposing syndrome. Also called: Hereditary neoplastic syndrome; Neoplastic Syndromes, Hereditary; Tumor predisposition; Hereditary Cancer Syndrome. Identifiers: Orphanet 140162, MedGen C0027672, MeSH D009386, MONDO:0015356.
Hereditary breast ovarian cancer syndrome. Also called: BRCA1- and BRCA2-Associated Hereditary Breast and Ovarian Cancer; Hereditary breast and ovarian cancer; Breast and ovarian cancer; Hereditary breast and/or ovarian cancer syndrome; Hereditary breast and ovarian cancer syndrome; Hereditary breast and ovarian cancer syndrome (HBOC). Identifiers: Orphanet 145, MedGen C0677776, MeSH D061325, MONDO:0003582. Disease mechanism: loss of function.

Submissions (7):

Evidence-based Network for the Interpretation of Germline Mutant Alleles (ENIGMA)
Classification: Pathogenic for Breast-ovarian cancer, familial, susceptibility to, 2. Last evaluated: 2016-10-18. Review status: reviewed by expert panel. Criteria: ENIGMA BRCA1/2 Classification Criteria (2015). Collection method: curation. Allele origin: germline.
Comment: Variant allele predicted to encode a truncated non-functional protein.

Mayo Clinic Laboratories, Mayo Clinic
Classification: Pathogenic. Last evaluated: 2024-11-12. Review status: criteria provided, single submitter. Criteria: ACMG Guidelines, 2015. Collection method: clinical testing. Allele origin: germline. Observed: 2 variant alleles. Not counted in ClinVar's aggregate classification.
Comment: PM2_supporting, PM5_strong, PVS1

GeneDx
Classification: Pathogenic. Last evaluated: 2024-07-09. Review status: criteria provided, single submitter. Criteria: GeneDx Variant Classification Process June 2021. Collection method: clinical testing. Allele origin: germline. Affected: yes. Not counted in ClinVar's aggregate classification.
Comment: Frameshift variant predicted to result in protein truncation or nonsense mediated decay in a gene for which loss of function is a known mechanism of disease; Not observed at significant frequency in large population cohorts (gnomAD); Truncating variants in this gene are considered pathogenic by a well-established clinical consortium and/or database; Also known as 9585_9588del; This variant is associated with the following publications: (PMID: 29446198, 33471991, 31076742, 29337092, 31723001)

Labcorp Genetics (formerly Invitae), Labcorp
Classification: Pathogenic for Hereditary breast ovarian cancer syndrome. Last evaluated: 2024-06-04. Review status: criteria provided, single submitter. Criteria: Invitae Variant Classification Sherloc (09022015). Collection method: clinical testing. Allele origin: germline. Not counted in ClinVar's aggregate classification.
Comment: This sequence change creates a premature translational stop signal (p.Ile3120Leufs*42) in the BRCA2 gene. It is expected to result in an absent or disrupted protein product. Loss-of-function variants in BRCA2 are known to be pathogenic (PMID: 20104584). This variant is not present in population databases (gnomAD no frequency). This premature translational stop signal has been observed in individual(s) with BRCA2-related conditions (PMID: 21520333). ClinVar contains an entry for this variant (Variation ID: 267157). For these reasons, this variant has been classified as Pathogenic.

Department of Pathology and Laboratory Medicine, Sinai Health System
Classification: Pathogenic for BRCA2-related cancer predisposition. Last evaluated: 2023-05-16. Review status: criteria provided, single submitter. Criteria: ACMG Guidelines, 2015. Collection method: clinical testing. Allele origin: germline. Affected: no. Not counted in ClinVar's aggregate classification.

Ambry Genetics
Classification: Pathogenic for Hereditary cancer-predisposing syndrome. Last evaluated: 2022-11-18. Review status: criteria provided, single submitter. Criteria: Ambry Variant Classification Scheme 2023. Collection method: clinical testing. Allele origin: germline. Not counted in ClinVar's aggregate classification.
Comment: The c.9357_9360delAATT pathogenic mutation, located in coding exon 24 of the BRCA2 gene, results from a deletion of 4 nucleotides at nucleotide positions 9357 to 9360, causing a translational frameshift with a predicted alternate stop codon (p.I3120Lfs*42). This alteration is expected to result in loss of function by premature protein truncation or nonsense-mediated mRNA decay. As such, this alteration is interpreted as a disease-causing mutation.

Consortium of Investigators of Modifiers of BRCA1/2 (CIMBA), c/o University of Cambridge
Classification: Pathogenic for Breast-ovarian cancer, familial, susceptibility to, 2. Last evaluated: 2015-10-02. Review status: criteria provided, single submitter. Criteria: CIMBA Mutation Classification guidelines May 2016. Collection method: clinical testing. Allele origin: germline. Not counted in ClinVar's aggregate classification.

Literature cited by the submitters: PubMed 29337092 (cited by Mayo Clinic Laboratories, Mayo Clinic); PubMed 20104584 (cited by Labcorp Genetics (formerly Invitae), Labcorp); PubMed 21520333 (cited by Labcorp Genetics (formerly Invitae), Labcorp).